The following is an entry in ClinVar:

ClinVar aggregate classification (germline): Uncertain significance (1 of 4 stars; one submission).

Submission:

GeneDx
Classification: Uncertain significance. Last evaluated: 2025-02-28. Review status: criteria provided, single submitter. Criteria: GeneDx Variant Classification Process June 2021. Collection method: clinical testing. Allele origin: germline. Affected: yes.
Comment: Not observed at significant frequency in large population cohorts (gnomAD); In silico analysis supports that this missense variant has a deleterious effect on protein structure/function; Has not been previously published as pathogenic or benign to our knowledge

NM_001458.5(FLNC):c.6940G>A (p.Ala2314Thr)

Genes: FLNC (filamin C; plus strand), FLNC-AS1 (FLNC antisense RNA 1; minus strand). Cytogenetic location: 7q32.1.
Variant type: single nucleotide variant.
Coding change: c.6940G>A on transcript NM_001458.5 (MANE Select); coding-DNA position 6940, G replaced by A.
Protein change: p.Ala2314Thr; replaces alanine 2314 with threonine.
Molecular consequence: missense variant.
Genome position (GRCh38, 1-based): chr7:128,854,625, G>A. VCF-style: chr7-128854625-G-A. GRCh37 (hg19) VCF-style: chr7-128494679-G-A.
Other names: c.6841G>A, p.Ala2281Thr (NM_001127487.2); short protein forms A2281T, A2314T.
Identifiers: ClinVar variation 4077311 (VCV004077311.1).
Genomic context (GRCh38, chr7:128,854,625, plus strand): 5'-GGCCAGCACGTGCCCGGCAGCCCCTTTCAGTTCACTGTGGGGCCGCTGGGTGAAGGTGGT[G>A]CCCACAAGGTGCGGGCCGGAGGCACAGGGCTGGAGCGAGGTGTGGCCGGCGTGCCAGGTA-3'
Protein context (NP_001449.3, residues 2304-2324): FTVGPLGEGG[Ala2314Thr]HKVRAGGTGL